The following is an entry in ClinVar:

NM_020366.4(RPGRIP1):c.2966G>T (p.Gly989Val)

Gene: RPGRIP1 (RPGR interacting protein 1; plus strand). Cytogenetic location: 14q11.2.
Variant type: single nucleotide variant.
Coding change: c.2966G>T on transcript NM_020366.4 (MANE Select); coding-DNA position 2966, G replaced by T.
Protein change: p.Gly989Val; replaces glycine 989 with valine.
Molecular consequence: missense variant.
Genome position (GRCh38, 1-based): chr14:21,328,494, G>T. VCF-style: chr14-21328494-G-T. GRCh37 (hg19) VCF-style: chr14-21796653-G-T.
Other names: c.944G>T, p.Gly315Val (NM_001377523.1, NM_001377950.1); c.1892G>T, p.Gly631Val (NM_001377948.1); c.1052G>T, p.Gly351Val (NM_001377949.1); c.446G>T, p.Gly149Val (NM_001377951.1); short protein forms G149V, G315V, G351V, G631V, G989V.
Identifiers: ClinVar variation 1025560 (VCV001025560.7), dbSNP rs1349740244, ClinGen allele CA388871090.

ClinVar aggregate classification (germline): Uncertain significance (1 of 4 stars; one submission).

Conditions:
Cone-rod dystrophy 13 (CORD13). Identifiers: Orphanet 1872, MedGen C2750720, MONDO:0011987, OMIM 608194.
Leber congenital amaurosis 6 (LCA6). Identifiers: Orphanet 65, MedGen C1854260, MONDO:0013446, OMIM 613826.

Allele frequency attached by ClinVar (database versions not stated): gnomAD exomes 0.00001.
gnomAD v4.1: 7 of 1,613,772 alleles (0.00043%); highest among the groups gnomAD compares: East Asian, 0.016%; no homozygotes.

Submission:

Labcorp Genetics (formerly Invitae), Labcorp
Classification: Uncertain significance for Leber congenital amaurosis 6; Cone-rod dystrophy 13. Last evaluated: 2024-10-15. Review status: criteria provided, single submitter. Criteria: Invitae Variant Classification Sherloc (09022015). Collection method: clinical testing. Allele origin: germline.
Comment: This sequence change replaces glycine, which is neutral and non-polar, with valine, which is neutral and non-polar, at codon 989 of the RPGRIP1 protein (p.Gly989Val). This variant is not present in population databases (gnomAD no frequency). This variant has not been reported in the literature in individuals affected with RPGRIP1-related conditions. ClinVar contains an entry for this variant (Variation ID: 1025560). Invitae Evidence Modeling of protein sequence and biophysical properties (such as structural, functional, and spatial information, amino acid conservation, physicochemical variation, residue mobility, and thermodynamic stability) indicates that this missense variant is not expected to disrupt RPGRIP1 protein function with a negative predictive value of 80%. In summary, the available evidence is currently insufficient to determine the role of this variant in disease. Therefore, it has been classified as a Variant of Uncertain Significance.